The following is an entry in ClinVar:

ClinVar aggregate classification (germline): Likely benign (1 of 4 stars; one submission).

Conditions:
FHOD3-related disorder. Also called: FHOD3-related condition.

gnomAD v4.1: 32 of 1,581,838 alleles (0.002%); highest among the groups gnomAD compares: African/African-American, 0.0054%; no homozygotes.

Submission:

PreventionGenetics, part of Exact Sciences
Classification: Likely benign for FHOD3-related condition. Last evaluated: 2026-04-23. Review status: criteria provided, single submitter. Criteria: ACMG Guidelines, 2015. Collection method: clinical testing. Allele origin: germline.
Comment: This variant is classified as likely benign based on ACMG/AMP sequence variant interpretation guidelines (Richards et al. 2015 PMID: 25741868, with internal and published modifications).

NM_001281740.3(FHOD3):c.1050C>T (p.Gly350=)

Gene: FHOD3 (formin homology 2 domain containing 3; plus strand). Cytogenetic location: 18q12.2.
Variant type: single nucleotide variant.
Coding change: c.1050C>T on transcript NM_001281740.3 (MANE Select); coding-DNA position 1050, C replaced by T.
Protein change: p.Gly350=; no amino-acid change (glycine 350 retained).
Molecular consequence: synonymous variant.
Genome position (GRCh38, 1-based): chr18:36,625,603, C>T. VCF-style: chr18-36625603-C-T. GRCh37 (hg19) VCF-style: chr18-34205566-C-T.
Other names: c.1050C>T, p.Gly350= (NM_001281739.3, NM_025135.5).
Identifiers: ClinVar variation 4986602 (VCV004986602.1).
Genomic context (GRCh38, chr18:36,625,603, plus strand): 5'-CACGGAGCCACCCCCCAGTGGGTGCCGGGACCGGAGGAGGGCCAGCGTGTGTTCCAGTGG[C>T]GGAGGCGAGCACCGGGGCCTGGACCGCAGAAGGAGCCGCAGGCACTCGGTGCAGAGCATC-3'
Protein context (NP_001268669.1, residues 340-360): DRRRASVCSS[Gly350=]GGEHRGLDRR